The following is an entry in ClinVar:

NM_000548.5(TSC2):c.2018C>G (p.Ala673Gly)

Gene: TSC2 (TSC complex subunit 2; plus strand). Cytogenetic location: 16p13.3.
Variant type: single nucleotide variant.
Coding change: c.2018C>G on transcript NM_000548.5 (MANE Select); coding-DNA position 2018, C replaced by G.
Protein change: p.Ala673Gly; replaces alanine 673 with glycine.
Molecular consequence: missense variant. On other transcripts: non-coding transcript variant (5).
Genome position (GRCh38, 1-based): chr16:2,071,855, C>G. VCF-style: chr16-2071855-C-G. GRCh37 (hg19) VCF-style: chr16-2121856-C-G.
Other names: c.1871C>G, p.Ala624Gly (NM_001406679.1, NM_001318829.2, NM_001406675.1 and 1 more transcripts); c.1418C>G, p.Ala473Gly (NM_001406680.1, NM_001406682.1, NM_001406683.1 and 6 more transcripts); c.1556C>G, p.Ala519Gly (NM_001406681.1); c.674C>G, p.Ala225Gly (NM_001406694.1, NM_001406695.1, NM_001406696.1 and 6 more transcripts); c.416C>G, p.Ala139Gly (NM_001406698.1); c.2018C>G, p.Ala673Gly (NM_021055.3, NM_001077183.3, NM_001114382.3 and 6 more transcripts); c.1907C>G, p.Ala636Gly (NM_001318827.2, NM_001406678.1, NM_001406670.1); c.2051C>G, p.Ala684Gly (NM_001318832.2); and 3 more; short protein forms A139G, A473G, A519G, A654G, A684G, A225G, A669G, A673G.
Identifiers: ClinVar variation 4700393 (VCV004700393.1).
Genomic context (GRCh38, chr16:2,071,855, plus strand): 5'-GAGGCTCTGAGAAGAAGACCAGCGGCCCCCTTTCTCCTCCCACAGGGCCTCCTGGCCCGG[C>G]GCCTGCAGGCCCCGCCGTGCGGCTGGGGTCCGTGCCCTACTCCCTGCTCTTCCGCGTCCT-3'
Protein context (NP_000539.2, residues 663-683): LSPPTGPPGP[Ala673Gly]PAGPAVRLGS

ClinVar aggregate classification (germline): Uncertain significance (1 of 4 stars; one submission).

Conditions:
Tuberous sclerosis 2 (TSC2). Identifiers: Orphanet 805, MedGen C1860707, MONDO:0013199, OMIM 613254.

Submission:

Labcorp Genetics (formerly Invitae), Labcorp
Classification: Uncertain significance for Tuberous sclerosis 2. Last evaluated: 2025-07-13. Review status: criteria provided, single submitter. Criteria: Invitae Variant Classification Sherloc (09022015). Collection method: clinical testing. Allele origin: germline.
Comment: This sequence change replaces alanine, which is neutral and non-polar, with glycine, which is neutral and non-polar, at codon 673 of the TSC2 protein (p.Ala673Gly). This variant is not present in population databases (gnomAD no frequency). This variant has not been reported in the literature in individuals affected with TSC2-related conditions. Invitae Evidence Modeling of protein sequence and biophysical properties (such as structural, functional, and spatial information, amino acid conservation, physicochemical variation, residue mobility, and thermodynamic stability) indicates that this missense variant is not expected to disrupt TSC2 protein function with a negative predictive value of 95%. In summary, the available evidence is currently insufficient to determine the role of this variant in disease. Therefore, it has been classified as a Variant of Uncertain Significance.